The following is an entry in ClinVar:

NM_002769.5(PRSS1):c.256C>T (p.Gln86Ter)

Genes: PRSS1 (serine protease 1; plus strand), TRB (T cell receptor beta locus; plus strand). Cytogenetic location: 7q34.
Variant type: single nucleotide variant.
Coding change: c.256C>T on transcript NM_002769.5 (MANE Select); coding-DNA position 256, C replaced by T.
Protein change: p.Gln86Ter; replaces glutamine 86 with a stop codon.
Molecular consequence: nonsense.
Genome position (GRCh38, 1-based): chr7:142,751,829, C>T. VCF-style: chr7-142751829-C-T. GRCh37 (hg19) VCF-style: chr7-142459680-C-T.
Other names: short protein forms Q86*.
Identifiers: ClinVar variation 576677 (VCV000576677.15), dbSNP rs146398318, ClinGen allele CA4529892.

ClinVar aggregate classification (germline): Uncertain significance. Review status: criteria provided, multiple submitters, no conflicts (2 of 4 stars). 3 submissions from 3 submitters: Uncertain significance (3). Last evaluated 2025-11-07.

Conditions:
Hereditary pancreatitis (PCTT). Also called: PRSS1-Related Hereditary Pancreatitis; Hereditary chronic pancreatitis. Identifiers: Orphanet 676, MedGen C0238339, MONDO:0008185, OMIM 167800.

Allele frequency attached by ClinVar (database versions not stated): TOPMed 0.00002; gnomAD 0.00003; gnomAD exomes 0.00004 and 0.00006; ExAC 0.00008; ESP Exome Variant Server 0.00008.

Submissions (3):

Ambry Genetics
Classification: Uncertain significance for Hereditary pancreatitis. Last evaluated: 2025-11-07. Review status: criteria provided, single submitter. Criteria: Ambry Variant Classification Scheme 2023. Collection method: clinical testing. Allele origin: germline.
Comment: The p.Q86* variant (also known as c.256C>T), located in coding exon 3 of the PRSS1 gene, results from a C to T substitution at nucleotide position 256. This changes the amino acid from a glutamine to a stop codon within coding exon 3. This alteration is expected to result in premature protein truncation or nonsense-mediated mRNA decay. However, loss of function of PRSS1 has not been clearly established as a mechanism of disease. Based on the available evidence, the clinical significance of this variant remains unclear.

Labcorp Genetics (formerly Invitae), Labcorp
Classification: Uncertain significance for Hereditary pancreatitis. Last evaluated: 2025-07-21. Review status: criteria provided, single submitter. Criteria: Invitae Variant Classification Sherloc (09022015). Collection method: clinical testing. Allele origin: germline.
Comment: This sequence change creates a premature translational stop signal (p.Gln86*) in the PRSS1 gene. It is expected to result in an absent or disrupted protein product. However, the current clinical and genetic evidence is not sufficient to establish whether loss-of-function variants in PRSS1 cause disease. The frequency data for this variant in the population databases is considered unreliable, as metrics indicate poor data quality at this position in the gnomAD database. This premature translational stop signal has been observed in individual(s) with diffuse gastric cancer (PMID: 26182300). ClinVar contains an entry for this variant (Variation ID: 576677). In summary, the available evidence is currently insufficient to determine the role of this variant in disease. Therefore, it has been classified as a Variant of Uncertain Significance.

ARUP Laboratories, Molecular Genetics and Genomics, ARUP Laboratories
Classification: Uncertain significance for Hereditary pancreatitis. Last evaluated: 2024-05-07. Review status: criteria provided, single submitter. Criteria: ARUP Molecular Germline Variant Investigation Process 2024. Collection method: clinical testing. Allele origin: germline.
Comment: The PRSS1 c.256C>T; p.Gln86Ter variant (rs146398318; ClinVar Variation ID: 576677) is reported in the literature in one individual with hereditary diffuse gastric cancer and was identified in a cohort of individuals recruited for cardiovascular disease trait (Hansford 2015 and Glicksberg 2019); though none of these individuals were reported to be affected with pancreatitis. This variant is found in the non-Finnish European population with an allele frequency of 0.01% (13/129182 alleles) in the Genome Aggregation Database (v2.1.1). This variant induces an early termination codon in exon 3 of 5 and is predicted to result in a truncated protein or mRNA subject to nonsense-mediated decay. However, the loss of PRSS1 activity has been suggested to be protective against pancreatitis, and is supported by the absence of any nonsense or canonical splice site variants associated with hereditary pancreatitis (Chen 2003). Although the p.Gln86Ter variant is considered unlikely to be disease-causing for pancreatitis, it is unknown if the variant could be associated with other clinical symptoms. References: Chen J et al. "Loss of function" mutations in the cationic trypsinogen gene (PRSS1) may act as a protective factor against pancreatitis. Mol Genet Metab. 2003; 79(1):67-70. Glicksberg BS et al. Integrative analysis of loss-of-function variants in clinical and genomic data reveals novel genes associated with cardiovascular traits. BMC Med Genomics. 2019 Jul 25;12(Suppl 6):108. PMID: 31345219 Hansford S et al. Hereditary Diffuse Gastric Cancer Syndrome: CDH1 Mutations and Beyond. JAMA Oncol. 2015 Apr;1(1):23-32. PMID: 26182300.

Literature cited by the submitters: PubMed 26182300 (cited by Ambry Genetics and Labcorp Genetics (formerly Invitae), Labcorp); PubMed 28767289 (cited by Ambry Genetics).